The following is an entry in ClinVar:

ClinVar aggregate classification (germline): Uncertain significance (1 of 4 stars; one submission).

Submission:

GeneDx
Classification: Uncertain significance. Last evaluated: 2025-05-16. Review status: criteria provided, single submitter. Criteria: GeneDx Variant Classification Process June 2021. Collection method: clinical testing. Allele origin: germline. Affected: yes.
Comment: Not observed at significant frequency in large population cohorts (gnomAD); In silico analysis suggests that this missense variant does not alter protein structure/function; Has not been previously published as pathogenic or benign to our knowledge

NM_004380.3(CREBBP):c.4020C>A (p.Asp1340Glu)

Gene: CREBBP (CREB binding lysine acetyltransferase; minus strand). Cytogenetic location: 16p13.3.
Variant type: single nucleotide variant.
Coding change: c.4020C>A on transcript NM_004380.3 (MANE Select); coding-DNA position 4020, C replaced by A.
Protein change: p.Asp1340Glu; replaces aspartic acid 1340 with glutamic acid.
Molecular consequence: missense variant.
Genome position (GRCh38, 1-based): chr16:3,740,512, G>T on the plus strand (C>A on the coding strand, the complement: CREBBP is on the minus strand). VCF-style: chr16-3740512-G-T. GRCh37 (hg19) VCF-style: chr16-3790513-G-T.
Other names: c.3906C>A, p.Asp1302Glu (NM_001079846.1); short protein forms D1302E, D1340E.
Identifiers: ClinVar variation 4531008 (VCV004531008.1).